The following is an entry in ClinVar:

ClinVar aggregate classification (germline): Uncertain significance. Review status: criteria provided, multiple submitters, no conflicts (2 of 4 stars). 2 submissions from 2 submitters: Uncertain significance (2). Last evaluated 2025-11-26.

Conditions:
Inborn genetic diseases. Identifiers: MedGen C0950123, MeSH D030342.

gnomAD v4.1: 26 of 1,613,012 alleles (0.0016%); highest among the groups gnomAD compares: Admixed American, 0.005%; no homozygotes.

Submissions (2):

Ambry Genetics
Classification: Uncertain significance for Inborn genetic diseases. Last evaluated: 2025-11-26. Review status: criteria provided, single submitter. Criteria: Ambry Variant Classification Scheme 2023. Collection method: clinical testing. Allele origin: germline.

Mayo Clinic Laboratories, Mayo Clinic
Classification: Uncertain significance. Last evaluated: 2025-03-14. Review status: criteria provided, single submitter. Criteria: ACMG Guidelines, 2015. Collection method: clinical testing. Allele origin: germline. Observed: 1 variant allele.
Comment: PM2_supporting

NM_178554.6(KY):c.764A>G (p.Tyr255Cys)

Genes: CEP63 (centrosomal protein 63; plus strand), KY (kyphoscoliosis peptidase; minus strand). Cytogenetic location: 3q22.2.
Variant type: single nucleotide variant.
Coding change: c.764A>G on transcript NM_178554.6 (MANE Select); coding-DNA position 764, A replaced by G.
Protein change: p.Tyr255Cys; replaces tyrosine 255 with cysteine.
Molecular consequence: missense variant.
Genome position (GRCh38, 1-based): chr3:134,610,330, T>C on the plus strand (A>G on the coding strand, the complement: KY is on the minus strand). VCF-style: chr3-134610330-T-C. GRCh37 (hg19) VCF-style: chr3-134329172-T-C.
Other names: p.Tyr255Cys; c.716A>G, p.Tyr239Cys (NM_001350859.2); c.638A>G, p.Tyr213Cys (NM_001350860.2); c.701A>G, p.Tyr234Cys (NM_001366276.1); c.764A>G, p.Tyr255Cys (NM_001366277.2); c.764A>G (NM_178554.4); short protein forms Y255C, Y213C, Y234C, Y239C.
Identifiers: ClinVar variation 4540927 (VCV004540927.1).